The following is an entry in ClinVar:

ClinVar aggregate classification (germline): Uncertain significance (1 of 4 stars; one submission).

Conditions:
Cohen syndrome (COH1). Also called: PEPPER SYNDROME; Cutis verticis gyrata, retinitis pigmentosa, and sensorineural deafness. Identifiers: Orphanet 193, MedGen C0265223, MONDO:0008999, OMIM 216550.

Allele frequency attached by ClinVar (database versions not stated): gnomAD exomes below 0.00001; ExAC 0.00001.

Submission:

Labcorp Genetics (formerly Invitae), Labcorp
Classification: Uncertain significance for Cohen syndrome. Last evaluated: 2022-02-05. Review status: criteria provided, single submitter. Criteria: Invitae Variant Classification Sherloc (09022015). Collection method: clinical testing. Allele origin: germline.
Comment: This sequence change replaces aspartic acid, which is acidic and polar, with asparagine, which is neutral and polar, at codon 3273 of the VPS13B protein (p.Asp3273Asn). This variant also falls at the last nucleotide of exon 53, which is part of the consensus splice site for this exon. This variant is present in population databases (rs774374731, gnomAD 0.0009%). This variant has not been reported in the literature in individuals affected with VPS13B-related conditions. Algorithms developed to predict the effect of missense changes on protein structure and function are either unavailable or do not agree on the potential impact of this missense change (SIFT: "Not Available"; PolyPhen-2: "Benign"; Align-GVGD: "Not Available"). Variants that disrupt the consensus splice site are a relatively common cause of aberrant splicing (PMID: 17576681, 9536098). Algorithms developed to predict the effect of sequence changes on RNA splicing suggest that this variant may disrupt the consensus splice site. In summary, the available evidence is currently insufficient to determine the role of this variant in disease. Therefore, it has been classified as a Variant of Uncertain Significance.

Literature cited by the submitters: PubMed 17576681; PubMed 9536098.

NM_152564.5(VPS13B):c.9742G>A (p.Asp3248Asn)

Gene: VPS13B (vacuolar protein sorting 13 homolog B; plus strand). Cytogenetic location: 8q22.2.
Variant type: single nucleotide variant.
Coding change: c.9742G>A on transcript NM_152564.5 (MANE Select); coding-DNA position 9742, G replaced by A.
Protein change: p.Asp3248Asn; replaces aspartic acid 3248 with asparagine.
Molecular consequence: missense variant.
Genome position (GRCh38, 1-based): chr8:99,835,324, G>A. VCF-style: chr8-99835324-G-A. GRCh37 (hg19) VCF-style: chr8-100847552-G-A.
Other names: c.9817G>A, p.Asp3273Asn (NM_017890.5); short protein forms D3273N, D3248N.
Identifiers: ClinVar variation 1515627 (VCV001515627.5), dbSNP rs774374731, ClinGen allele CA4824768.